The following is an entry in ClinVar:

ClinVar aggregate classification (germline): Likely pathogenic (1 of 4 stars; one submission).

Conditions:
Spastic paraplegia 86, autosomal recessive (SPG86). Identifiers: Orphanet 631085, MedGen C5676910, MONDO:0030673, OMIM 619735.

Submission:

UAEU Genomics Laboratory, United Arab Emirates University
Classification: Likely pathogenic for Spastic paraplegia 86, autosomal recessive. Last evaluated: 2024-09-05. Review status: criteria provided, single submitter. Criteria: ACMG Guidelines, 2015. Collection method: research. Allele origin: germline. Affected: yes. Observed: 1 variant allele.
Comment: PM2, PVS1

NM_021160.3(ABHD16A):c.1322dup (p.Met442fs)

Gene: ABHD16A (abhydrolase domain containing 16A, phospholipase; minus strand). Cytogenetic location: 6p21.33.
Variant type: Duplication.
Coding change: c.1322dup on transcript NM_021160.3 (MANE Select); coding-DNA position 1322, one base duplicated (T; older notation c.1322dupT).
Protein change: p.Met442fs; shifts the reading frame from methionine 442.
Molecular consequence: frameshift variant. On other transcripts: non-coding transcript variant (2).
Genome position (GRCh38, 1-based): chr6:31,688,089, A duplicated on the plus strand (T on the coding strand, the reverse complement: ABHD16A is on the minus strand). VCF-style (leftmost placement, unchanged base first): chr6-31688088-G-GA. GRCh37 (hg19) VCF-style: chr6-31655865-G-GA.
Other names: c.1223dup, p.Met409fs (NM_001177515.2); c.1322dupT (NM_021160.3); short protein forms M409fs, M442fs.
Identifiers: ClinVar variation 5042548 (VCV005042548.1).